The following is an entry in ClinVar:

ClinVar aggregate classification (germline): Likely pathogenic (1 of 4 stars; one submission).

Conditions:
Leber congenital amaurosis 4 (LCA4). Identifiers: MedGen C1858386, MONDO:0011458, OMIM 604393.

Submission:

3billion
Classification: Likely pathogenic for Leber congenital amaurosis 4. Last evaluated: 2023-02-23. Review status: criteria provided, single submitter. Criteria: ACMG Guidelines, 2015. Collection method: clinical testing. Allele origin: unknown. Affected: yes.
Comment: The variant is not observed in the gnomAD v2.1.1 dataset. In silico tool predictions suggest damaging effect of the variant on gene or gene product (REVEL: 0.91; 3Cnet: 0.32). Same nucleotide change resulting in same amino acid change has been previously reported to be associated with AIPL1 related disorder (PMID: 14611946). The variant has been reported to be in trans with a pathogenic variant as either compound heterozygous or homozygous in at least one similarly affected unrelated individual (PMID: 14611946). The variant has been reported to co-segregate with the disease in at least one similarly affected relative/individual in the same family or similarly affected unrelated family (PMID: 14611946). Therefore, this variant is classified as Likely pathogenic according to the recommendation of ACMG/AMP guideline.

Literature cited by the submitters: PubMed 14611946.

NM_014336.5(AIPL1):c.40A>G (p.Lys14Glu)

Gene: AIPL1 (AIP like 1 HSP90 co-chaperone; minus strand). Cytogenetic location: 17p13.2.
Variant type: single nucleotide variant.
Coding change: c.40A>G on transcript NM_014336.5 (MANE Select); coding-DNA position 40, A replaced by G.
Protein change: p.Lys14Glu; replaces lysine 14 with glutamic acid.
Molecular consequence: missense variant. On other transcripts: 5 prime UTR variant (1).
Genome position (GRCh38, 1-based): chr17:6,435,065, T>C on the plus strand (A>G on the coding strand, the complement: AIPL1 is on the minus strand). VCF-style: chr17-6435065-T-C. GRCh37 (hg19) VCF-style: chr17-6338385-T-C.
Other names: c.40A>G, p.Lys14Glu (NM_001033054.3, NM_001033055.3, NM_001285399.3 and 3 more transcripts); c.-136A>G (NM_001285402.2); short protein forms K14E.
Identifiers: ClinVar variation 2444096 (VCV002444096.1), dbSNP rs2543921956, ClinGen allele CA397397850.